The following is an entry in ClinVar:

NM_000143.4(FH):c.120C>T (p.Asn40=)

Gene: FH (fumarate hydratase; minus strand). Cytogenetic location: 1q43.
Variant type: single nucleotide variant.
Coding change: c.120C>T on transcript NM_000143.4 (MANE Select); coding-DNA position 120, C replaced by T.
Protein change: p.Asn40=; no amino-acid change (asparagine 40 retained).
Molecular consequence: synonymous variant.
Genome position (GRCh38, 1-based): chr1:241,519,603, G>A on the plus strand (C>T on the coding strand, the complement: FH is on the minus strand). VCF-style: chr1-241519603-G-A. GRCh37 (hg19) VCF-style: chr1-241682903-G-A.
Identifiers: ClinVar variation 229773 (VCV000229773.17), dbSNP rs876658186, ClinGen allele CA10577690.

ClinVar aggregate classification (germline): Benign/Likely benign. Review status: criteria provided, multiple submitters, no conflicts (2 of 4 stars). 3 submissions from 3 submitters: Benign (1); Likely benign (2). Last evaluated 2025-07-29.

Conditions:
Hereditary cancer-predisposing syndrome. Also called: Neoplastic Syndromes, Hereditary; Hereditary neoplastic syndrome; Hereditary Cancer Syndrome; Tumor predisposition. Identifiers: Orphanet 140162, MedGen C0027672, MeSH D009386, MONDO:0015356.
Hereditary leiomyomatosis and renal cell cancer. Also called: LEIOMYOMA, MULTIPLE CUTANEOUS; Reed syndrome; Multiple cutaneous and uterine leiomyomatosis; Cutaneous leiomyomata with uterine leiomyomata; Leiomyoma, hereditary multiple, of skin; Multiple cutaneous and uterine leiomyomata. Identifiers: Orphanet 523, MedGen C1708350, MONDO:0007888, OMIM 150800, HP:0007437. Disease mechanism: loss of function.

Allele frequency attached by ClinVar (database versions not stated): TOPMed 0.00001.
gnomAD v4.1: 2 of 1,547,552 alleles (0.00013%); highest among the groups gnomAD compares: Non-Finnish European, 0.00017%; no homozygotes.

Submissions (3):

Labcorp Genetics (formerly Invitae), Labcorp
Classification: Likely benign. Last evaluated: 2025-07-29. Review status: criteria provided, single submitter. Criteria: Invitae Variant Classification Sherloc (09022015). Collection method: clinical testing. Allele origin: germline.

Myriad Genetics, Inc.
Classification: Benign for Hereditary leiomyomatosis and renal cell cancer. Last evaluated: 2024-10-17. Review status: criteria provided, single submitter. Criteria: Myriad Autosomal Dominant, Autosomal Recessive and X-Linked Classification Criteria (2023). Collection method: clinical testing. Allele origin: unknown.
Comment: This variant is considered benign. This variant is a silent/synonymous amino acid change and it is not expected to impact splicing.

Ambry Genetics
Classification: Likely benign for Hereditary cancer-predisposing syndrome. Last evaluated: 2015-01-23. Review status: criteria provided, single submitter. Criteria: Ambry Variant Classification Scheme 2023. Collection method: clinical testing. Allele origin: germline.